The following is an entry in ClinVar:

NM_000261.2(MYOC):c.1021T>C (p.Ser341Pro)

Gene: MYOC (myocilin; minus strand). Cytogenetic location: 1q24.3.
Variant type: single nucleotide variant.
Coding change: c.1021T>C on transcript NM_000261.2 (MANE Select); coding-DNA position 1021, T replaced by C.
Protein change: p.Ser341Pro; replaces serine 341 with proline.
Molecular consequence: missense variant.
Genome position (GRCh38, 1-based): chr1:171,636,419, A>G on the plus strand (T>C on the coding strand, the complement: MYOC is on the minus strand). VCF-style: chr1-171636419-A-G. GRCh37 (hg19) VCF-style: chr1-171605559-A-G.
Other names: NM_000261.2:c.1021T>C; short protein forms S341P.
Identifiers: ClinVar variation 1439558 (VCV001439558.9), dbSNP rs1572210748, ClinGen allele CA343725060.

ClinVar aggregate classification (germline): Pathogenic. Review status: reviewed by expert panel (3 of 4 stars). 2 submissions from 2 submitters: Pathogenic (1). 1 of the submissions does not count toward it. Last evaluated 2026-01-20.

Conditions:
Open-angle glaucoma. Identifiers: MedGen C0017612, MONDO:0005338, HP:0012108.

Submissions (2):

ClinGen Glaucoma Variant Curation Expert Panel
Classification: Pathogenic for Open-angle glaucoma. Last evaluated: 2026-01-20. Review status: reviewed by expert panel. Criteria: ClinGen Glaucoma ACMG Specifications V2.0.0 Approved. Collection method: curation. Allele origin: germline. Inheritance: Autosomal dominant inheritance.
Comment: The c.1021T>C variant in MYOC is a missense variant predicted to cause substitution of Serine by Proline at amino acid 341 (p.Ser341Pro). This variant was not found in any genetic ancestry group of gnomAD (v4.1.0), meeting the ≤ 0.0001 threshold set for PM2_Supporting in a genetic ancestry group of at least 10,000 alleles. The REVEL score = 0.821, which was within the 0.773-0.931 range for PP3_Moderate, predicting a damaging effect on MYOC function. A transgenic mouse model carrying human MYOC Ser341Pro (PMID: 38212635), and displaying reduced secretion of the Ser341Pro protein in vivo, exhibited a glaucoma phenotype (including IOP elevation and retina ganglion cell loss), meeting PS3. 12 segregations in 4 families, with juvenile or primary open angle glaucoma (JOAG or POAG), have been reported (PMIDs: 17867509, 24825108, 33214997, 25777973), which fulfilled PP1_Strong (≥7 meioses in >1 family). There were more family studies published than presented here. 8 probands with JOAG or POAG have been reported carrying this variant (PMIDs: 9510647, 24825108, 25777973, 33214997, 17867509, ClinVar: Invitae), which met PS4_Moderate (≥ 6 probands). In summary, this variant met the criteria to receive a score of 13 and to be classified as pathogenic (pathogenic classification ≥ 10, adapted from PMID: 32720330) for juvenile open angle glaucoma based on the ACMG/AMP criteria met, as specified by the ClinGen Glaucoma VCEP (v2.0.0, 5 Dec 2024): PS3, PP1_Strong, PS4_Moderate, PP3_Moderate, PM2_Supporting

Labcorp Genetics (formerly Invitae), Labcorp
Classification: Pathogenic. Last evaluated: 2021-04-02. Review status: criteria provided, single submitter. Criteria: Invitae Variant Classification Sherloc (09022015). Collection method: clinical testing. Allele origin: germline. Not counted in ClinVar's aggregate classification.
Comment: For these reasons, this variant has been classified as Pathogenic. Algorithms developed to predict the effect of missense changes on protein structure and function (SIFT, PolyPhen-2, Align-GVGD) all suggest that this variant is likely to be disruptive, but these predictions have not been confirmed by published functional studies and their clinical significance is uncertain. This variant has been observed in individual(s) with glaucoma (PMID: 9510647, 17867509, 25777973, 24825108). It has also been observed to segregate with disease in related individuals. This variant is also known as Pro334Ser. This variant is not present in population databases (ExAC no frequency). This sequence change replaces serine with proline at codon 341 of the MYOC protein (p.Ser341Pro). The serine residue is highly conserved and there is a moderate physicochemical difference between serine and proline.

Literature cited by the submitters: PubMed 38212635 (cited by ClinGen Glaucoma Variant Curation Expert Panel); PubMed 9510647 (cited by Labcorp Genetics (formerly Invitae), Labcorp); PubMed 17867509 (cited by Labcorp Genetics (formerly Invitae), Labcorp); PubMed 25777973 (cited by Labcorp Genetics (formerly Invitae), Labcorp); PubMed 24825108 (cited by Labcorp Genetics (formerly Invitae), Labcorp).